The following is an entry in ClinVar:

ClinVar aggregate classification (germline): Uncertain significance (1 of 4 stars; one submission).

Submission:

GeneDx
Classification: Uncertain significance. Last evaluated: 2023-02-24. Review status: criteria provided, single submitter. Criteria: GeneDx Variant Classification Process June 2021. Collection method: clinical testing. Allele origin: germline. Affected: yes.
Comment: Not observed at significant frequency in large population cohorts (gnomAD); In silico analysis supports that this missense variant has a deleterious effect on protein structure/function; Has not been previously published as pathogenic or benign to our knowledge

NM_012330.4(KAT6B):c.2282A>C (p.Lys761Thr)

Gene: KAT6B (lysine acetyltransferase 6B; plus strand). Cytogenetic location: 10q22.2.
Variant type: single nucleotide variant.
Coding change: c.2282A>C on transcript NM_012330.4 (MANE Select); coding-DNA position 2282, A replaced by C.
Protein change: p.Lys761Thr; replaces lysine 761 with threonine.
Molecular consequence: missense variant. On other transcripts: intron variant (2).
Genome position (GRCh38, 1-based): chr10:74,981,837, A>C. VCF-style: chr10-74981837-A-C. GRCh37 (hg19) VCF-style: chr10-76741595-A-C.
Other names: c.1733A>C, p.Lys578Thr (NM_001256468.2, NM_001370138.1); c.1406A>C, p.Lys469Thr (NM_001256469.2, NM_001370132.1, NM_001370139.1 and 3 more transcripts); c.359A>C, p.Lys120Thr (NM_001370134.1); c.2282A>C, p.Lys761Thr (NM_001370136.1, NM_001370137.1); c.1217A>C, p.Lys406Thr (NM_001370143.1, NM_001370144.1); c.847-7182A>C (NM_001370133.1); c.193-7182A>C (NM_001370135.1); short protein forms K120T, K406T, K469T, K578T, K761T.
Identifiers: ClinVar variation 2577776 (VCV002577776.1), dbSNP rs1842534871, ClinGen allele CA377292965.
Genomic context (GRCh38, chr10:74,981,837, plus strand): 5'-ACTTTAACAGATTACCAAAGCTTTACCTGTGTGAATTCTGTCTTAAATATATGAAAAGTA[A>C]AAATATTTTGCTAAGACACTCCAAGAAGTGTGGATGGTTTCATCCTCCAGCAAATGAAAT-3'
Protein context (NP_036462.2, residues 751-771): CEFCLKYMKS[Lys761Thr]NILLRHSKKC